The following is an entry in ClinVar:

ClinVar aggregate classification (germline): Uncertain significance. Review status: criteria provided, multiple submitters, no conflicts (2 of 4 stars). 2 submissions from 2 submitters: Uncertain significance (2). Last evaluated 2025-08-18.

Conditions:
Ataxia-telangiectasia syndrome (AT). Also called: LOUIS-BAR SYNDROME; Cerebello-oculocutaneous telangiectasia; Immunodeficiency with ataxia telangiectasia; Ataxia telangiectasia (A-T); Ataxia-telangiectasia, complementation group D; AT, COMPLEMENTATION GROUP C. Identifiers: Orphanet 100, MedGen C0004135, MONDO:0008840, OMIM 208900.
Hereditary cancer-predisposing syndrome. Also called: Tumor predisposition; Neoplastic Syndromes, Hereditary; Hereditary Cancer Syndrome; Hereditary neoplastic syndrome. Identifiers: Orphanet 140162, MedGen C0027672, MeSH D009386, MONDO:0015356.

Allele frequency attached by ClinVar (database versions not stated): TOPMed 0.00002; gnomAD 0.00002.
gnomAD v4.1: 45 of 1,425,690 alleles (0.0032%); highest among the groups gnomAD compares: Non-Finnish European, 0.0042%; no homozygotes.

Submissions (2):

Color Diagnostics, LLC DBA Color Health
Classification: Uncertain significance for Hereditary cancer-predisposing syndrome. Last evaluated: 2025-08-18. Review status: criteria provided, single submitter. Criteria: ACMG Guidelines, 2015. Collection method: clinical testing. Allele origin: germline.
Comment: This variant causes an A to G nucleotide substitution at the -1080 position of intron 38/62 of the ATM gene. RNA studies have shown that this variant results in the insertion of a pseudoexon, creating a frameshift and premature translation stop signal that is expected to result in an absent or non-functional protein product. (PMID: 39271294ClinVar SCV004247506.1). This variant has been reported in an individual affected with ovarian cancer (PMID: 39271294). This variant has been identified in 5/159574 chromosomes in the general population by the Genome Aggregation Database (gnomAD). Although there is a suspicion that this variant may be associated with disease, additional studies are necessary to determine the role of this variant in disease conclusively. Therefore, this variant is classified as a Variant of Uncertain Significance.

Labcorp Genetics (formerly Invitae), Labcorp
Classification: Uncertain significance for Ataxia-telangiectasia syndrome. Last evaluated: 2022-11-10. Review status: criteria provided, single submitter. Criteria: Invitae Variant Classification Sherloc (09022015). Collection method: clinical testing. Allele origin: germline.
Comment: This variant is present in population databases (no rsID available, gnomAD 0.007%). This variant has not been reported in the literature in individuals affected with ATM-related conditions. Studies have shown that this variant results in a cryptic exon inclusion between exon 38 and exon 39 and introduces a premature termination codon (Invitae). The resulting mRNA is expected to undergo nonsense-mediated decay. In summary, the available evidence is currently insufficient to determine the role of this variant in disease. Therefore, it has been classified as a Variant of Uncertain Significance. This sequence change falls in intron 38 of the ATM gene. It does not directly change the encoded amino acid sequence of the ATM protein. RNA analysis indicates that this variant induces altered splicing and may result in an absent or disrupted protein product.

Literature cited by the submitters: PubMed 39271294 (cited by Color Diagnostics, LLC DBA Color Health).

NM_000051.4(ATM):c.5763-1080A>G

Genes: ATM (ATM serine/threonine kinase; plus strand), C11orf65 (chromosome 11 open reading frame 65; minus strand). Cytogenetic location: 11q22.3.
Variant type: single nucleotide variant.
Coding change: c.5763-1080A>G on transcript NM_000051.4 (MANE Select); 1080 bases into the intron before coding-DNA position 5763, A replaced by G.
Molecular consequence: intron variant.
Genome position (GRCh38, 1-based): chr11:108,309,080, A>G. VCF-style: chr11-108309080-A-G. GRCh37 (hg19) VCF-style: chr11-108179807-A-G.
Other names: c.5763-1080A>G (NM_001351834.2); c.641-9T>C (NM_001330368.2); c.*39-9T>C (NM_001351110.2).
Identifiers: ClinVar variation 2695650 (VCV002695650.4), dbSNP rs1478503457, ClinGen allele CA601723673.
Genomic context (GRCh38, chr11:108,309,080, plus strand): 5'-AAAAATTCTTCATATTCCATTTTAATGCTGAATAAGATCCTGAAGAATATTCCTGGAGAA[A>G]GTATGAATGGGATATAGAAAAACGGGTAAAGACATGCATTCAAGTCCAAGCTTGTGCTGT-3'